The following is an entry in ClinVar:

ClinVar aggregate classification (germline): Uncertain significance. Review status: criteria provided, multiple submitters, no conflicts (2 of 4 stars). 2 submissions from 2 submitters: Uncertain significance (2). Last evaluated 2025-12-02.

Conditions:
DiGeorge syndrome. Also called: THIRD AND FOURTH PHARYNGEAL POUCH SYNDROME; Catch22. Identifiers: Orphanet 567, MedGen C0012236, MONDO:0008564, OMIM 188400.
Cardiovascular phenotype. Identifiers: MedGen CN230736.

Submissions (2):

Ambry Genetics
Classification: Uncertain significance for Cardiovascular phenotype. Last evaluated: 2025-12-02. Review status: criteria provided, single submitter. Criteria: Ambry Variant Classification Scheme 2023. Collection method: clinical testing. Allele origin: germline.
Comment: The p.E266D variant (also known as c.798G>C), located in coding exon 5 of the TBX1 gene, results from a G to C substitution at nucleotide position 798. The glutamic acid at codon 266 is replaced by aspartic acid, an amino acid with highly similar properties. This amino acid position is conserved. In addition, the in silico prediction for this alteration is inconclusive. Based on the available evidence, the clinical significance of this variant remains unclear.

Labcorp Genetics (formerly Invitae), Labcorp
Classification: Uncertain significance for DiGeorge syndrome. Last evaluated: 2024-10-08. Review status: criteria provided, single submitter. Criteria: Invitae Variant Classification Sherloc (09022015). Collection method: clinical testing. Allele origin: germline.
Comment: This sequence change replaces glutamic acid, which is acidic and polar, with aspartic acid, which is acidic and polar, at codon 266 of the TBX1 protein (p.Glu266Asp). This variant is not present in population databases (gnomAD no frequency). This variant has not been reported in the literature in individuals affected with TBX1-related conditions. Invitae Evidence Modeling of protein sequence and biophysical properties (such as structural, functional, and spatial information, amino acid conservation, physicochemical variation, residue mobility, and thermodynamic stability) indicates that this missense variant is not expected to disrupt TBX1 protein function with a negative predictive value of 80%. In summary, the available evidence is currently insufficient to determine the role of this variant in disease. Therefore, it has been classified as a Variant of Uncertain Significance.

NM_001379200.1(TBX1):c.825G>C (p.Glu275Asp)

Gene: TBX1 (T-box transcription factor 1; plus strand). Cytogenetic location: 22q11.21.
Variant type: single nucleotide variant.
Coding change: c.825G>C on transcript NM_001379200.1 (MANE Select); coding-DNA position 825, G replaced by C.
Protein change: p.Glu275Asp; replaces glutamic acid 275 with aspartic acid.
Molecular consequence: missense variant.
Genome position (GRCh38, 1-based): chr22:19,765,071, G>C. VCF-style: chr22-19765071-G-C. GRCh37 (hg19) VCF-style: chr22-19752594-G-C.
Other names: c.798G>C, p.Glu266Asp (NM_005992.1, NM_080646.2, NM_080647.1); short protein forms E266D, E275D.
Identifiers: ClinVar variation 3720214 (VCV003720214.3).
Genomic context (GRCh38, chr22:19,765,071, plus strand): 5'-GGACCCACGCAAAGATAGCGAGAAATATGCCGAGGAGAACTTCAAAACCTTTGTGTTCGA[G>C]GAGACACGATTCACCGCGGTCACTGCCTACCAGAACCATCGGGTGAGGGCCTGTGGGGAG-3'
Protein context (NP_001366129.1, residues 265-285): AEENFKTFVF[Glu275Asp]ETRFTAVTAY